The following is an entry in ClinVar:

NM_001035.3(RYR2):c.12972G>T (p.Lys4324Asn)

Genes: RYR2 (ryanodine receptor 2; plus strand), LOC126806068 (BRD4-independent group 4 enhancer GRCh37_chr1:237947411-237948610; plus strand). Cytogenetic location: 1q43.
Variant type: single nucleotide variant.
Coding change: c.12972G>T on transcript NM_001035.3 (MANE Select); coding-DNA position 12972, G replaced by T.
Protein change: p.Lys4324Asn; replaces lysine 4324 with asparagine.
Molecular consequence: missense variant.
Genome position (GRCh38, 1-based): chr1:237,784,684, G>T. VCF-style: chr1-237784684-G-T. GRCh37 (hg19) VCF-style: chr1-237947984-G-T.
Other names: c.12972G>T (NM_001035.2); short protein forms K4324N.
Identifiers: ClinVar variation 2075319 (VCV002075319.6), dbSNP rs2527796345, ClinGen allele CA345414887.

ClinVar aggregate classification (germline): Uncertain significance. Review status: criteria provided, multiple submitters, no conflicts (2 of 4 stars). 3 submissions from 3 submitters: Uncertain significance (3). Last evaluated 2026-07-31.

Conditions:
Catecholaminergic polymorphic ventricular tachycardia 1. Also called: VENTRICULAR TACHYCARDIA, CATECHOLAMINERGIC POLYMORPHIC, 1, WITH OR WITHOUT ATRIAL DYSFUNCTION AND/OR DILATED CARDIOMYOPATHY; VENTRICULAR TACHYCARDIA, STRESS-INDUCED POLYMORPHIC 1; RYR2-Related Catecholaminergic Polymorphic Ventricular Tachycardia. Identifiers: Orphanet 3286, MedGen C1631597, MONDO:0011484, OMIM 604772.
Cardiovascular phenotype. Identifiers: MedGen CN230736.
Catecholaminergic polymorphic ventricular tachycardia (CVPT). Also called: Catecholamine-induced polymorphic ventricular tachycardia. Identifiers: Orphanet 3286, MedGen C5574922, MONDO:0017990.

Allele frequency attached by ClinVar (database versions not stated): gnomAD exomes 0.00001.
gnomAD v4.1: 5 of 1,611,254 alleles (0.00031%); highest among the groups gnomAD compares: Non-Finnish European, 0.00042%; no homozygotes.

Submissions (3):

Ambry Genetics
Classification: Uncertain significance for Cardiovascular phenotype. Last evaluated: 2026-07-31. Review status: criteria provided, single submitter. Criteria: Ambry Variant Classification Scheme 2023. Collection method: clinical testing. Allele origin: germline.
Comment: The p.K4324N variant (also known as c.12972G>T), located in coding exon 90 of the RYR2 gene, results from a G to T substitution at nucleotide position 12972. The lysine at codon 4324 is replaced by asparagine, an amino acid with similar properties. This amino acid position is conserved. In addition, this alteration is predicted to be tolerated by in silico analysis. Based on the available evidence, the clinical significance of this variant remains unclear.

All of Us Research Program, National Institutes of Health
Classification: Uncertain significance for Catecholaminergic polymorphic ventricular tachycardia. Last evaluated: 2023-06-26. Review status: criteria provided, single submitter. Criteria: ACMG Guidelines, 2015. Collection method: clinical testing. Allele origin: germline. Inheritance: Autosomal dominant inheritance. Observed: 1 variant allele, 1 heterozygote.
Comment: This missense variant replaces lysine with asparagine at codon 4324 of the RYR2 protein. Computational prediction suggests that this variant may not impact protein structure and function (internally defined REVEL score threshold <= 0.5, PMID: 27666373). To our knowledge, functional studies have not been reported for this variant. This variant has not been reported in individuals affected with RYR2-related disorders in the literature. This variant has not been identified in the general population by the Genome Aggregation Database (gnomAD). The available evidence is insufficient to determine the role of this variant in disease conclusively. Therefore, this variant is classified as a Variant of Uncertain Significance.

This study involves interpretation of variants in research participants for the purpose of population health screening. Participant phenotype was not available at the time of variant classification. Additional details can be found in publication PMID: 35346344, PMCID: PMC8962531

Labcorp Genetics (formerly Invitae), Labcorp
Classification: Uncertain significance for Catecholaminergic polymorphic ventricular tachycardia 1. Last evaluated: 2022-02-27. Review status: criteria provided, single submitter. Criteria: Invitae Variant Classification Sherloc (09022015). Collection method: clinical testing. Allele origin: germline.
Comment: In summary, the available evidence is currently insufficient to determine the role of this variant in disease. Therefore, it has been classified as a Variant of Uncertain Significance. Advanced modeling of protein sequence and biophysical properties (such as structural, functional, and spatial information, amino acid conservation, physicochemical variation, residue mobility, and thermodynamic stability) performed at Invitae indicates that this missense variant is not expected to disrupt RYR2 protein function. This variant has not been reported in the literature in individuals affected with RYR2-related conditions. This variant is not present in population databases (gnomAD no frequency). This sequence change replaces lysine, which is basic and polar, with asparagine, which is neutral and polar, at codon 4324 of the RYR2 protein (p.Lys4324Asn).